The following is an entry in ClinVar:

NM_000719.7(CACNA1C):c.6257C>G (p.Ala2086Gly)

Genes: CACNA1C (calcium voltage-gated channel subunit alpha1 C; plus strand), CACNA1C-AS1 (CACNA1C antisense RNA 1; minus strand). Cytogenetic location: 12p13.33.
Variant type: single nucleotide variant.
Coding change: c.6257C>G on transcript NM_000719.7 (MANE Select); coding-DNA position 6257, C replaced by G.
Protein change: p.Ala2086Gly; replaces alanine 2086 with glycine.
Molecular consequence: missense variant.
Genome position (GRCh38, 1-based): chr12:2,691,039, C>G. VCF-style: chr12-2691039-C-G. GRCh37 (hg19) VCF-style: chr12-2800205-C-G.
Other names: c.6401C>G, p.Ala2134Gly (NM_001129827.2); c.6380C>G, p.Ala2127Gly (NM_001129829.2); c.6362C>G, p.Ala2121Gly (NM_001129830.3, NM_001167624.3); c.6341C>G, p.Ala2114Gly (NM_001129831.2); c.6317C>G, p.Ala2106Gly (NM_001129832.2); c.6314C>G, p.Ala2105Gly (NM_001129833.2, NM_001129834.2, NM_001129835.2); c.6308C>G, p.Ala2103Gly (NM_001129836.2); c.6281C>G, p.Ala2094Gly (NM_001129837.2, NM_001129838.2); and 6 more; short protein forms A2106G, A2121G, A2075G, A2083G, A2092G, A2094G, A2127G, A2169G.
Identifiers: ClinVar variation 2838463 (VCV002838463.3), dbSNP rs2535499410, ClinGen allele CA383386703.

ClinVar aggregate classification (germline): Uncertain significance (1 of 4 stars; one submission).

Conditions:
Long QT syndrome (LQTS). Identifiers: MedGen C0023976, MeSH D008133, MONDO:0002442. Disease mechanism: loss of function. Inheritance: Various modes of inheritance.

Submission:

Labcorp Genetics (formerly Invitae), Labcorp
Classification: Uncertain significance for Long QT syndrome. Last evaluated: 2023-02-17. Review status: criteria provided, single submitter. Criteria: Invitae Variant Classification Sherloc (09022015). Collection method: clinical testing. Allele origin: germline.
Comment: This sequence change replaces alanine, which is neutral and non-polar, with glycine, which is neutral and non-polar, at codon 2086 of the CACNA1C protein (p.Ala2086Gly). This variant is not present in population databases (gnomAD no frequency). This variant has not been reported in the literature in individuals affected with CACNA1C-related conditions. Advanced modeling of protein sequence and biophysical properties (such as structural, functional, and spatial information, amino acid conservation, physicochemical variation, residue mobility, and thermodynamic stability) performed at Invitae indicates that this missense variant is not expected to disrupt CACNA1C protein function. In summary, the available evidence is currently insufficient to determine the role of this variant in disease. Therefore, it has been classified as a Variant of Uncertain Significance.